The following is an entry in ClinVar:

NM_004329.3(BMPR1A):c.123G>C (p.Gln41His)

Gene: BMPR1A (bone morphogenetic protein receptor type 1A; plus strand). Cytogenetic location: 10q23.2.
Variant type: single nucleotide variant.
Coding change: c.123G>C on transcript NM_004329.3 (MANE Select); coding-DNA position 123, G replaced by C.
Protein change: p.Gln41His; replaces glutamine 41 with histidine.
Molecular consequence: missense variant. On other transcripts: non-coding transcript variant (3).
Genome position (GRCh38, 1-based): chr10:86,890,117, G>C. VCF-style: chr10-86890117-G-C. GRCh37 (hg19) VCF-style: chr10-88649874-G-C.
Other names: c.123G>C, p.Gln41His (NM_001406559.1, NM_001406560.1, NM_001406561.1 and 23 more transcripts); c.39G>C, p.Gln13His (NM_001406584.1, NM_001406585.1, NM_001406586.1 and 2 more transcripts); short protein forms Q13H, Q41H.
Identifiers: ClinVar variation 4802633 (VCV004802633.1).

ClinVar aggregate classification (germline): Uncertain significance (1 of 4 stars; one submission).

Conditions:
Juvenile polyposis syndrome (JPS). Identifiers: Orphanet 2929, MedGen C0345893, MONDO:0017380, OMIM 174900.

Submission:

Labcorp Genetics (formerly Invitae), Labcorp
Classification: Uncertain significance for Juvenile polyposis syndrome. Last evaluated: 2025-08-01. Review status: criteria provided, single submitter. Criteria: Invitae Variant Classification Sherloc (09022015). Collection method: clinical testing. Allele origin: germline.
Comment: This sequence change replaces glutamine, which is neutral and polar, with histidine, which is basic and polar, at codon 41 of the BMPR1A protein (p.Gln41His). This variant is not present in population databases (gnomAD no frequency). This variant has not been reported in the literature in individuals affected with BMPR1A-related conditions. Invitae Evidence Modeling of protein sequence and biophysical properties (such as structural, functional, and spatial information, amino acid conservation, physicochemical variation, residue mobility, and thermodynamic stability) indicates that this missense variant is not expected to disrupt BMPR1A protein function with a negative predictive value of 95%. In summary, the available evidence is currently insufficient to determine the role of this variant in disease. Therefore, it has been classified as a Variant of Uncertain Significance.